The following is an entry in ClinVar:

ClinVar aggregate classification (germline): Pathogenic (1 of 4 stars; one submission).

Submission:

Labcorp Genetics (formerly Invitae), Labcorp
Classification: Pathogenic. Last evaluated: 2020-04-11. Review status: criteria provided, single submitter. Criteria: Invitae Variant Classification Sherloc (09022015). Collection method: clinical testing. Allele origin: germline.
Comment: This variant is not present in population databases (ExAC no frequency). This sequence change affects an acceptor splice site in intron 8 of the COL4A5 gene. It is expected to disrupt RNA splicing and likely results in an absent or disrupted protein product. Disruption of this splice site has been observed in individual(s) with Alport syndrome (PMID: 11462238, 26249550). It has also been observed to segregate with disease in related individuals. Algorithms developed to predict the effect of sequence changes on RNA splicing suggest that this variant may disrupt the consensus splice site, but this prediction has not been confirmed by published transcriptional studies. Donor and acceptor splice site variants typically lead to a loss of protein function (PMID: 16199547), and loss-of-function variants in COL4A5 are known to be pathogenic (PMID: 9195222, 10752524, 14514738, 24854265, 26809805). For these reasons, this variant has been classified as Pathogenic.

Literature cited by the submitters: PubMed 11462238; PubMed 26249550; PubMed 16199547; PubMed 9195222; PubMed 10752524; PubMed 14514738; PubMed 24854265; PubMed 26809805.

NM_033380.3(COL4A5):c.466-1G>C

Gene: COL4A5 (collagen type IV alpha 5 chain; plus strand). Cytogenetic location: Xq22.3.
Variant type: single nucleotide variant.
Coding change: c.466-1G>C on transcript NM_033380.3 (MANE Select); the canonical splice acceptor site of the intron before coding-DNA position 466, G replaced by C.
Molecular consequence: splice acceptor variant.
Genome position (GRCh38, 1-based): chrX:108,573,573, G>C. VCF-style: chrX-108573573-G-C. GRCh37 (hg19) VCF-style: chrX-107816803-G-C.
Other names: c.466-1G>C (NM_000495.5).
Identifiers: ClinVar variation 1075983 (VCV001075983.9), dbSNP rs2147759174, ClinGen allele CA413920693.